The following is an entry in ClinVar:

ClinVar aggregate classification (germline): Uncertain significance (1 of 4 stars; one submission).

Conditions:
RYR1-related disorder. Also called: RYR1-related condition; RYR1-related disorders. Identifiers: MedGen CN239331.

Submission:

Labcorp Genetics (formerly Invitae), Labcorp
Classification: Uncertain significance for RYR1-related disorder. Last evaluated: 2024-05-23. Review status: criteria provided, single submitter. Criteria: Invitae Variant Classification Sherloc (09022015). Collection method: clinical testing. Allele origin: germline.
Comment: This sequence change replaces glycine, which is neutral and non-polar, with aspartic acid, which is acidic and polar, at codon 2829 of the RYR1 protein (p.Gly2829Asp). This variant is not present in population databases (gnomAD no frequency). This variant has not been reported in the literature in individuals affected with RYR1-related conditions. Advanced modeling of protein sequence and biophysical properties (such as structural, functional, and spatial information, amino acid conservation, physicochemical variation, residue mobility, and thermodynamic stability) has been performed at Invitae for this missense variant, however the output from this modeling did not meet the statistical confidence thresholds required to predict the impact of this variant on RYR1 protein function. In summary, the available evidence is currently insufficient to determine the role of this variant in disease. Therefore, it has been classified as a Variant of Uncertain Significance.

NM_000540.3(RYR1):c.8486G>A (p.Gly2829Asp)

Genes: RYR1 (ryanodine receptor 1; plus strand), LOC126862902 (BRD4-independent group 4 enhancer GRCh37_chr19:38995830-38997029; plus strand). Cytogenetic location: 19q13.2.
Variant type: single nucleotide variant.
Coding change: c.8486G>A on transcript NM_000540.3 (MANE Select); coding-DNA position 8486, G replaced by A.
Protein change: p.Gly2829Asp; replaces glycine 2829 with aspartic acid.
Molecular consequence: missense variant.
Genome position (GRCh38, 1-based): chr19:38,505,891, G>A. VCF-style: chr19-38505891-G-A. GRCh37 (hg19) VCF-style: chr19-38996531-G-A.
Other names: c.8486G>A, p.Gly2829Asp (NM_001042723.2); short protein forms G2829D.
Identifiers: ClinVar variation 3636237 (VCV003636237.2).